The following is an entry in ClinVar:

ClinVar aggregate classification (germline): Uncertain significance (1 of 4 stars; one submission).

Conditions:
Pallister-Hall syndrome (PHS). Also called: HYPOTHALAMIC HAMARTOBLASTOMA, HYPOPITUITARISM, IMPERFORATE ANUS, AND POSTAXIAL POLYDACTYLY; GLI3-Related Pallister-Hall Syndrome. Identifiers: Orphanet 672, MedGen C0265220, MONDO:0007804, OMIM 146510.
Greig cephalopolysyndactyly syndrome (GCPS). Also called: Greig syndrome; GLI3-Related Greig Cephalopolysyndactyly Syndrome; POLYSYNDACTYLY WITH PECULIAR SKULL SHAPE. Identifiers: Orphanet 380, MedGen C0265306, MONDO:0008287, OMIM 175700.

gnomAD v4.1: 4 of 1,613,734 alleles (0.00025%); highest among the groups gnomAD compares: Non-Finnish European, 0.00025%; no homozygotes.

Submission:

Labcorp Genetics (formerly Invitae), Labcorp
Classification: Uncertain significance for Pallister-Hall syndrome; Greig cephalopolysyndactyly syndrome. Last evaluated: 2025-11-10. Review status: criteria provided, single submitter. Criteria: Invitae Variant Classification Sherloc (09022015). Collection method: clinical testing. Allele origin: germline.
Comment: This sequence change replaces proline, which is neutral and non-polar, with threonine, which is neutral and polar, at codon 799 of the GLI3 protein (p.Pro799Thr). This variant is not present in population databases (gnomAD no frequency). This variant has not been reported in the literature in individuals affected with GLI3-related conditions. ClinVar contains an entry for this variant (Variation ID: 2146981). Invitae Evidence Modeling of protein sequence and biophysical properties (such as structural, functional, and spatial information, amino acid conservation, physicochemical variation, residue mobility, and thermodynamic stability) indicates that this missense variant is not expected to disrupt GLI3 protein function with a negative predictive value of 95%. In summary, the available evidence is currently insufficient to determine the role of this variant in disease. Therefore, it has been classified as a Variant of Uncertain Significance.

NM_000168.6(GLI3):c.2395C>A (p.Pro799Thr)

Gene: GLI3 (GLI family zinc finger 3; minus strand). Cytogenetic location: 7p14.1.
Variant type: single nucleotide variant.
Coding change: c.2395C>A on transcript NM_000168.6 (MANE Select); coding-DNA position 2395, C replaced by A.
Protein change: p.Pro799Thr; replaces proline 799 with threonine.
Molecular consequence: missense variant.
Genome position (GRCh38, 1-based): chr7:41,967,632, G>T on the plus strand (C>A on the coding strand, the complement: GLI3 is on the minus strand). VCF-style: chr7-41967632-G-T. GRCh37 (hg19) VCF-style: chr7-42007230-G-T.
Other names: short protein forms P799T.
Identifiers: ClinVar variation 2146981 (VCV002146981.4), dbSNP rs747717830, ClinGen allele CA367321177.